The following is an entry in ClinVar:

ClinVar aggregate classification (germline): Uncertain significance (1 of 4 stars; one submission).

Conditions:
Dyskeratosis congenita, autosomal dominant 2. Identifiers: MedGen C3151443, MONDO:0013521, OMIM 613989.
Idiopathic Pulmonary Fibrosis. Also called: Idiopathic fibrosing alveolitis, chronic form; idiopathic fibrosing alveolitis. Identifiers: Orphanet 2032, MedGen C1800706, MeSH D054990, MONDO:0800504.

Submission:

Labcorp Genetics (formerly Invitae), Labcorp
Classification: Uncertain significance for Dyskeratosis congenita, autosomal dominant 2; Idiopathic Pulmonary Fibrosis. Last evaluated: 2024-08-27. Review status: criteria provided, single submitter. Criteria: Invitae Variant Classification Sherloc (09022015). Collection method: clinical testing. Allele origin: germline.
Comment: This sequence change falls in intron 15 of the TERT gene. It does not directly change the encoded amino acid sequence of the TERT protein. It affects a nucleotide within the consensus splice site. This variant is not present in population databases (gnomAD no frequency). This variant has not been reported in the literature in individuals affected with TERT-related conditions. Variants that disrupt the consensus splice site are a relatively common cause of aberrant splicing (PMID: 17576681, 9536098). Algorithms developed to predict the effect of sequence changes on RNA splicing suggest that this variant is not likely to affect RNA splicing. In summary, the available evidence is currently insufficient to determine the role of this variant in disease. Therefore, it has been classified as a Variant of Uncertain Significance.

Literature cited by the submitters: PubMed 17576681; PubMed 9536098.

NM_198253.3(TERT):c.3296-3C>T

Gene: TERT (telomerase reverse transcriptase; minus strand). Cytogenetic location: 5p15.33.
Variant type: single nucleotide variant.
Coding change: c.3296-3C>T on transcript NM_198253.3 (MANE Select); 3 bases into the intron before coding-DNA position 3296, C replaced by T.
Molecular consequence: intron variant.
Genome position (GRCh38, 1-based): chr5:1,253,834, G>A on the plus strand (C>T on the coding strand, the complement: TERT is on the minus strand). VCF-style: chr5-1253834-G-A. GRCh37 (hg19) VCF-style: chr5-1253949-G-A.
Other names: c.3107-3C>T (NM_001193376.3).
Identifiers: ClinVar variation 3752754 (VCV003752754.2).
Genomic context (GRCh38, chr5:1,253,834, plus strand): 5'-GCGGCCTCCAGGGCAGTCAGCGTCGTCCCCGGGAGCTTCCGACTCAGCTGCGTCTGGGCT[G>A]CGGGGCCAAAATCAGACTCCGTTCCAGAAGAGGCCAGAGGTGGCATCCTCCAACCCTCCT-3'